The following is an entry in ClinVar:

NM_001322934.2(NFKB2):c.410G>T (p.Gly137Val)

Gene: NFKB2 (nuclear factor kappa B subunit 2; plus strand). Cytogenetic location: 10q24.32.
Variant type: single nucleotide variant.
Coding change: c.410G>T on transcript NM_001322934.2 (MANE Select); coding-DNA position 410, G replaced by T.
Protein change: p.Gly137Val; replaces glycine 137 with valine.
Molecular consequence: missense variant.
Genome position (GRCh38, 1-based): chr10:102,397,316, G>T. VCF-style: chr10-102397316-G-T. GRCh37 (hg19) VCF-style: chr10-104157073-G-T.
Other names: c.410G>T, p.Gly137Val (NM_001077494.3, NM_001261403.3, NM_001288724.1 and 2 more transcripts); short protein forms G137V.
Identifiers: ClinVar variation 4732259 (VCV004732259.1).

ClinVar aggregate classification (germline): Uncertain significance (1 of 4 stars; one submission).

Conditions:
Immunodeficiency, common variable, 10. Also called: IMMUNODEFICIENCY, COMMON VARIABLE, WITH CENTRAL ADRENAL INSUFFICIENCY; DEFICIT IN ANTERIOR PITUITARY FUNCTION AND VARIABLE IMMUNODEFICIENCY. Identifiers: MedGen C3809991, MONDO:0014260, OMIM 615577.

Submission:

Labcorp Genetics (formerly Invitae), Labcorp
Classification: Uncertain significance for Immunodeficiency, common variable, 10. Last evaluated: 2025-12-10. Review status: criteria provided, single submitter. Criteria: Invitae Variant Classification Sherloc (09022015). Collection method: clinical testing. Allele origin: germline.
Comment: This sequence change replaces glycine, which is neutral and non-polar, with valine, which is neutral and non-polar, at codon 137 of the NFKB2 protein (p.Gly137Val). This variant is not present in population databases (gnomAD no frequency). This variant has not been reported in the literature in individuals affected with NFKB2-related conditions. An algorithm developed to predict the effect of missense changes on protein structure and function (PolyPhen-2) suggests that this variant is likely to be disruptive. In summary, the available evidence is currently insufficient to determine the role of this variant in disease. Therefore, it has been classified as a Variant of Uncertain Significance.